The following is an entry in ClinVar:

ClinVar aggregate classification (germline): Benign/Likely benign. Review status: criteria provided, multiple submitters, no conflicts (2 of 4 stars). 4 submissions from 4 submitters: Benign (1); Likely benign (3). Last evaluated 2026-07-08.

Conditions:
Rhabdoid tumor predisposition syndrome 2 (RTPS2). Identifiers: Orphanet 231108, Orphanet 69077, MedGen C2750074, MONDO:0013224, OMIM 613325.
Hereditary cancer-predisposing syndrome. Also called: Tumor predisposition; Neoplastic Syndromes, Hereditary; Hereditary Cancer Syndrome; Hereditary neoplastic syndrome. Identifiers: Orphanet 140162, MedGen C0027672, MeSH D009386, MONDO:0015356.
Intellectual disability, autosomal dominant 16 (CSS4). Also called: COFFIN-SIRIS SYNDROME 4. Identifiers: Orphanet 1465, MedGen C3553249, MONDO:0013821, OMIM 614609.

Allele frequency attached by ClinVar (database versions not stated): gnomAD exomes 0.00001 and below 0.00001.
gnomAD v4.1: 9 of 1,607,972 alleles (0.00056%); highest among the groups gnomAD compares: South Asian, 0.0044%; no homozygotes.

Submissions (4):

Myriad Genetics, Inc.
Classification: Benign for Rhabdoid tumor predisposition syndrome 2. Last evaluated: 2026-07-08. Review status: criteria provided, single submitter. Criteria: Myriad Autosomal Dominant, Autosomal Recessive and X-Linked Classification Criteria (2023). Collection method: clinical testing. Allele origin: unknown.
Comment: This variant is considered benign. This variant is a silent/synonymous amino acid change and it is not expected to impact splicing.

Labcorp Genetics (formerly Invitae), Labcorp
Classification: Likely benign for Rhabdoid tumor predisposition syndrome 2. Last evaluated: 2025-12-09. Review status: criteria provided, single submitter. Criteria: Invitae Variant Classification Sherloc (09022015). Collection method: clinical testing. Allele origin: germline.

Genome-Nilou Lab
Classification: Likely benign for Intellectual disability, autosomal dominant 16. Last evaluated: 2021-07-15. Review status: criteria provided, single submitter. Criteria: ACMG Guidelines, 2015. Collection method: clinical testing. Allele origin: germline. Affected: no.

Ambry Genetics
Classification: Likely benign for Hereditary cancer-predisposing syndrome. Last evaluated: 2017-01-25. Review status: criteria provided, single submitter. Criteria: Ambry Variant Classification Scheme 2023. Collection method: clinical testing. Allele origin: germline.

NM_003072.5(SMARCA4):c.144G>T (p.Gly48=)

Gene: SMARCA4 (SWI/SNF related BAF chromatin remodeling complex subunit ATPase 4; plus strand). Cytogenetic location: 19p13.2.
Variant type: single nucleotide variant.
Coding change: c.144G>T on transcript NM_003072.5 (MANE Select); coding-DNA position 144, G replaced by T.
Protein change: p.Gly48=; no amino-acid change (glycine 48 retained).
Molecular consequence: synonymous variant. On other transcripts: non-coding transcript variant (1).
Genome position (GRCh38, 1-based): chr19:10,984,295, G>T. VCF-style: chr19-10984295-G-T. GRCh37 (hg19) VCF-style: chr19-11094971-G-T.
Other names: c.144G>T, p.Gly48= (NM_001128844.3, NM_001128845.2, NM_001128846.2 and 5 more transcripts).
Identifiers: ClinVar variation 480629 (VCV000480629.17), dbSNP rs1398193826, ClinGen allele CA505487243.